The following is an entry in ClinVar:

ClinVar aggregate classification (germline): Conflicting classifications of pathogenicity. Review status: criteria provided, conflicting classifications (1 of 4 stars). 2 submissions from 2 submitters: Likely pathogenic (1); Uncertain significance (1). Last evaluated 2024-09-04.

Conditions:
PDE6C-related disorder. Also called: PDE6C-related condition.

Submissions (2):

Labcorp Genetics (formerly Invitae), Labcorp
Classification: Uncertain significance. Last evaluated: 2024-09-04. Review status: criteria provided, single submitter. Criteria: Invitae Variant Classification Sherloc (09022015). Collection method: clinical testing. Allele origin: germline.
Comment: This sequence change replaces alanine, which is neutral and non-polar, with aspartic acid, which is acidic and polar, at codon 592 of the PDE6C protein (p.Ala592Asp). This variant is not present in population databases (gnomAD no frequency). This missense change has been observed in individual(s) with PDE6C-related conditions (PMID: 32306724). It has also been observed to segregate with disease in related individuals. Invitae Evidence Modeling of protein sequence and biophysical properties (such as structural, functional, and spatial information, amino acid conservation, physicochemical variation, residue mobility, and thermodynamic stability) has been performed for this missense variant. However, the output from this modeling did not meet the statistical confidence thresholds required to predict the impact of this variant on PDE6C protein function. In summary, the available evidence is currently insufficient to determine the role of this variant in disease. Therefore, it has been classified as a Variant of Uncertain Significance.

Blueprint Genetics
Classification: Likely pathogenic for PDE6C-related disorders. Last evaluated: 2020-03-12. Review status: criteria provided, single submitter. Criteria: ACMG Guidelines, 2015. Collection method: clinical testing. Allele origin: germline. Affected: yes. Observed: 1 variant allele.

Literature cited by the submitters: PubMed 32306724 (cited by Labcorp Genetics (formerly Invitae), Labcorp).

NM_006204.4(PDE6C):c.1775C>A (p.Ala592Asp)

Gene: PDE6C (phosphodiesterase 6C; plus strand). Cytogenetic location: 10q23.33.
Variant type: single nucleotide variant.
Coding change: c.1775C>A on transcript NM_006204.4 (MANE Select); coding-DNA position 1775, C replaced by A.
Protein change: p.Ala592Asp; replaces alanine 592 with aspartic acid.
Molecular consequence: missense variant.
Genome position (GRCh38, 1-based): chr10:93,640,957, C>A. VCF-style: chr10-93640957-C-A. GRCh37 (hg19) VCF-style: chr10-95400714-C-A.
Other names: short protein forms A592D.
Identifiers: ClinVar variation 3613677 (VCV003613677.2).